The following is an entry in ClinVar:

ClinVar aggregate classification (germline): Pathogenic (1 of 4 stars; one submission).

Conditions:
Charcot-Marie-Tooth disease type 2. Also called: Charcot-Marie-Tooth type 2. Identifiers: Orphanet 64746, MedGen C0270914, MONDO:0018993.

Allele frequency attached by ClinVar (database versions not stated): TOPMed 0.00003; gnomAD 0.00003.
gnomAD v4.1: 14 of 1,613,822 alleles (0.00087%); highest among the groups gnomAD compares: African/African-American, 0.0053%; no homozygotes.

Submission:

Labcorp Genetics (formerly Invitae), Labcorp
Classification: Pathogenic for Charcot-Marie-Tooth disease type 2. Last evaluated: 2024-11-19. Review status: criteria provided, single submitter. Criteria: Invitae Variant Classification Sherloc (09022015). Collection method: clinical testing. Allele origin: germline.
Comment: This sequence change creates a premature translational stop signal (p.Arg597*) in the AARS gene. It is expected to result in an absent or disrupted protein product. Loss-of-function variants in AARS are known to be pathogenic (PMID: 25817015, 28493438, 34446925). This variant is present in population databases (rs768830699, gnomAD 0.007%). This variant has not been reported in the literature in individuals affected with AARS-related conditions. ClinVar contains an entry for this variant (Variation ID: 1682198). For these reasons, this variant has been classified as Pathogenic.

Literature cited by the submitters: PubMed 25817015; PubMed 28493438; PubMed 34446925.

NM_001605.3(AARS1):c.1789C>T (p.Arg597Ter)

Gene: AARS1 (alanyl-tRNA synthetase 1; minus strand). Cytogenetic location: 16q22.1.
Variant type: single nucleotide variant.
Coding change: c.1789C>T on transcript NM_001605.3 (MANE Select); coding-DNA position 1789, C replaced by T.
Protein change: p.Arg597Ter; replaces arginine 597 with a stop codon.
Molecular consequence: nonsense.
Genome position (GRCh38, 1-based): chr16:70,259,183, G>A on the plus strand (C>T on the coding strand, the complement: AARS1 is on the minus strand). VCF-style: chr16-70259183-G-A. GRCh37 (hg19) VCF-style: chr16-70293086-G-A.
Other names: short protein forms R597*.
Identifiers: ClinVar variation 1682198 (VCV001682198.6), dbSNP rs768830699, ClinGen allele CA283430496.